The following is an entry in ClinVar:

NM_000395.3(CSF2RB):c.1464+8C>T

Gene: CSF2RB (colony stimulating factor 2 receptor subunit beta; plus strand). Cytogenetic location: 22q12.3.
Variant type: single nucleotide variant.
Coding change: c.1464+8C>T on transcript NM_000395.3 (MANE Select); 8 bases into the intron after coding-DNA position 1464, C replaced by T.
Molecular consequence: intron variant.
Genome position (GRCh38, 1-based): chr22:36,935,695, C>T. VCF-style: chr22-36935695-C-T. GRCh37 (hg19) VCF-style: chr22-37331737-C-T.
Other names: c.1464+8C>T (NM_000395.2).
Identifiers: ClinVar variation 1548122 (VCV001548122.12), dbSNP rs375512070, ClinGen allele CA10213853.

ClinVar aggregate classification (germline): Likely benign. Review status: criteria provided, multiple submitters, no conflicts (2 of 4 stars). 3 submissions from 3 submitters: Likely benign (2). 1 of the submissions does not count toward it. Last evaluated 2025-10-21.

Conditions:
CSF2RB-related disorder. Also called: CSF2RB-related condition.

Allele frequency attached by ClinVar (database versions not stated): ExAC 0.00003; TOPMed 0.00005; gnomAD 0.00006; gnomAD exomes 0.00006 and 0.00014; ESP Exome Variant Server 0.00015.
gnomAD v4.1: 215 of 1,613,448 alleles (0.013%); highest among the groups gnomAD compares: Non-Finnish European, 0.018%; no homozygotes.

Submissions (3):

Labcorp Genetics (formerly Invitae), Labcorp
Classification: Likely benign. Last evaluated: 2025-10-21. Review status: criteria provided, single submitter. Criteria: Invitae Variant Classification Sherloc (09022015). Collection method: clinical testing. Allele origin: germline.

Blueprint Genetics
Classification: Likely benign. Last evaluated: 2023-04-27. Review status: criteria provided, single submitter. Criteria: ACMG Guidelines, 2015. Collection method: clinical testing. Allele origin: germline.

PreventionGenetics, part of Exact Sciences
Classification: Likely benign for CSF2RB-related condition. Last evaluated: 2020-01-17. Review status: no assertion criteria provided. Collection method: clinical testing. Allele origin: germline. Not counted in ClinVar's aggregate classification.
Comment: This variant is classified as likely benign based on ACMG/AMP sequence variant interpretation guidelines (Richards et al. 2015 PMID: 25741868, with internal and published modifications).